The following is an entry in ClinVar:

NM_182760.4(SUMF1):c.1039G>T (p.Ala347Ser)

Gene: SUMF1 (sulfatase modifying factor 1; minus strand). Cytogenetic location: 3p26.1.
Variant type: single nucleotide variant.
Coding change: c.1039G>T on transcript NM_182760.4 (MANE Select); coding-DNA position 1039, G replaced by T.
Protein change: p.Ala347Ser; replaces alanine 347 with serine.
Molecular consequence: missense variant.
Genome position (GRCh38, 1-based): chr3:4,362,230, C>A on the plus strand (G>T on the coding strand, the complement: SUMF1 is on the minus strand). VCF-style: chr3-4362230-C-A. GRCh37 (hg19) VCF-style: chr3-4403914-C-A.
Other names: c.964G>T, p.Ala322Ser (NM_001164674.2); c.979G>T, p.Ala327Ser (NM_001164675.2); short protein forms A322S, A347S, A327S.
Identifiers: ClinVar variation 1353960 (VCV001353960.6), dbSNP rs755981501, ClinGen allele CA2230330.
Genomic context (GRCh38, chr3:4,362,230, plus strand): 5'-CTGCACAGCGGAATCCCAGATTCGAAGCAGAGCTATCAGGTGTGTTCTGGCTCCGAGCAG[C>A]ACAGCGATACCTGTAACAATAAGACTGTGTAGAGAGAAAGAGCAAGGTAAGTGCTACTGG-3'
Protein context (NP_877437.2, residues 337-357): HRSYCYRYRC[Ala347Ser]ARSQNTPDSS

ClinVar aggregate classification (germline): Uncertain significance (1 of 4 stars; one submission).

Conditions:
Multiple sulfatase deficiency (MSD). Also called: Mucosulfatidosis; Multiple Sulfatase Deficiency Disease; Sulfatidosis, Juvenile, Austin Type. Identifiers: Orphanet 585, MedGen C0268263, MONDO:0010088, OMIM 272200.

Allele frequency attached by ClinVar (database versions not stated): gnomAD exomes 0.00001; ExAC 0.00002.
gnomAD v4.1: 8 of 1,614,172 alleles (0.0005%); highest among the groups gnomAD compares: South Asian, 0.0077%; no homozygotes.

Submission:

Labcorp Genetics (formerly Invitae), Labcorp
Classification: Uncertain significance for Multiple sulfatase deficiency. Last evaluated: 2025-02-24. Review status: criteria provided, single submitter. Criteria: Invitae Variant Classification Sherloc (09022015). Collection method: clinical testing. Allele origin: germline.
Comment: This sequence change replaces alanine, which is neutral and non-polar, with serine, which is neutral and polar, at codon 347 of the SUMF1 protein (p.Ala347Ser). This variant is present in population databases (rs755981501, gnomAD 0.006%). This variant has not been reported in the literature in individuals affected with SUMF1-related conditions. ClinVar contains an entry for this variant (Variation ID: 1353960). Invitae Evidence Modeling of protein sequence and biophysical properties (such as structural, functional, and spatial information, amino acid conservation, physicochemical variation, residue mobility, and thermodynamic stability) has been performed for this missense variant. However, the output from this modeling did not meet the statistical confidence thresholds required to predict the impact of this variant on SUMF1 protein function. In summary, the available evidence is currently insufficient to determine the role of this variant in disease. Therefore, it has been classified as a Variant of Uncertain Significance.